The following is an entry in ClinVar:

ClinVar aggregate classification (germline): Pathogenic/Likely pathogenic. Review status: criteria provided, multiple submitters, no conflicts (2 of 4 stars). 2 submissions from 2 submitters: Pathogenic (1); Likely pathogenic (1). Last evaluated 2026-06-10.

Conditions:
Von Hippel-Lindau syndrome (VHLS). Also called: VHL syndrome; Von Hippel-Lindau; von Hippel–Lindau syndrome. Identifiers: Orphanet 892, MedGen C0019562, MONDO:0008667, OMIM 193300. Disease mechanism: loss of function.
Hereditary cancer-predisposing syndrome. Also called: Neoplastic Syndromes, Hereditary; Tumor predisposition; Hereditary neoplastic syndrome; Hereditary Cancer Syndrome. Identifiers: Orphanet 140162, MedGen C0027672, MeSH D009386, MONDO:0015356.

Submissions (2):

Clinical and Functional Genomics Group, A.C.Camargo Cancer Center
Classification: Pathogenic for Von Hippel-Lindau syndrome. Last evaluated: 2026-06-10. Review status: criteria provided, single submitter. Criteria: CFGG ACC Assertion Criteria V1. Collection method: research. Allele origin: germline. Affected: yes.
Comment: The VHL:c.462A>T (p.Pro154=) synonymous variant is located in the second-to-last nucleotide of exon 2, leading to the substitution of A for T at the coding sequence position 462, without amino acid change at codon 154. This variant is absent from population databases (e.g., gnomAD) and has a single submission in ClinVar (VCV003332043.1). In silico splice altering predictor as SpliceAI predicts the loss of the canonical donor site (0.85), together with the loss of the canonical acceptor site (0.65) and the gain of a donor site (0.25), suggesting a potential impact on pre-mRNA splicing. RNA evidence from an affected patient, using targeted cDNA sequencing, demonstrated that the c.462A>T substitution results in an in-frame skipping of the entire exon 2, which also occurs in controls, but at a lower rate compared to the patient (the average inclusion of E2 in controls was 89% [79% - 97%], while in the patient it was 55%) (internal data). Although this is an in-frame event, it causes the loss of 41 amino acids, which corresponds to 19% of the full-length protein (r.341_463del; p.(Gly114_Pro154del). This region encodes for a domain considered critical for protein function, which is responsible for nuclear export (residues from 114 to 155). Based on the above evidence and applying the recommended ACMG guidelines (Richards et al., 2015), cspec for VHL (Version 1.1.0: 1/10/2025), this variant was classified as pathogenic (PVS1 (RNA), PM2).

Ambry Genetics
Classification: Likely pathogenic for Hereditary cancer-predisposing syndrome. Last evaluated: 2024-06-03. Review status: criteria provided, single submitter. Criteria: Ambry Variant Classification Scheme 2023. Collection method: clinical testing. Allele origin: germline.
Comment: The c.462A>T variant (also known as p.P154P), located in coding exon 2 of the VHL gene, results from an A to T substitution at nucleotide position 462. This nucleotide substitution does not change the codon at 154. This nucleotide position is highly conserved in available vertebrate species. In silico splice site analysis predicts that this alteration will weaken the native splice donor site and may result in the creation or strengthening of a novel splice donor site. RNA studies have demonstrated that this alteration results in abnormal splicing in the set of samples tested (Ambry internal data). Based on the majority of available evidence to date, this variant is likely to be pathogenic.

Literature cited by the submitters: PubMed 20151405 (cited by Clinical and Functional Genomics Group, A.C.Camargo Cancer Center).

NM_000551.4(VHL):c.462A>T (p.Pro154=)

Genes: VHL (von Hippel-Lindau tumor suppressor; plus strand), LOC107303340 (3p25 von Hippel-Lindau tumor suppressor, E3 ubiquitin protein ligase Alu-mediated recombination region; plus strand). Cytogenetic location: 3p25.3.
Variant type: single nucleotide variant.
Coding change: c.462A>T on transcript NM_000551.4 (MANE Select); coding-DNA position 462, A replaced by T.
Protein change: p.Pro154=; no amino-acid change (proline 154 retained).
Molecular consequence: synonymous variant. On other transcripts: non-coding transcript variant (1), intron variant (2).
Genome position (GRCh38, 1-based): chr3:10,146,635, A>T. VCF-style: chr3-10146635-A-T. GRCh37 (hg19) VCF-style: chr3-10188319-A-T.
Other names: c.*18-3152A>T (NM_001354723.2); c.341-3152A>T (NM_198156.3).
Identifiers: ClinVar variation 3332043 (VCV003332043.2).
Genomic context (GRCh38, chr3:10,146,635, plus strand): 5'-ATTATTTGTGCCATCTCTCAATGTTGACGGACAGCCTATTTTTGCCAATATCACACTGCC[A>T]GGTACTGACGTTTTACTTTTTAAAAAGATAAGGTTGTTGTGGTAAGTACAGGATAGACCA-3'
Protein context (NP_000542.1, residues 144-164): GQPIFANITL[Pro154=]VYTLKERCLQ